The following is an entry in ClinVar:

NM_000334.4(SCN4A):c.5479G>A (p.Val1827Met)

Genes: GH-LCR (growth hormone locus control region; plus strand), SCN4A (sodium voltage-gated channel alpha subunit 4; minus strand). Cytogenetic location: 17q23.3.
Variant type: single nucleotide variant.
Coding change: c.5479G>A on transcript NM_000334.4 (MANE Select); coding-DNA position 5479, G replaced by A.
Protein change: p.Val1827Met; replaces valine 1827 with methionine.
Molecular consequence: missense variant.
Genome position (GRCh38, 1-based): chr17:63,940,803, C>T on the plus strand (G>A on the coding strand, the complement: SCN4A is on the minus strand). VCF-style: chr17-63940803-C-T. GRCh37 (hg19) VCF-style: chr17-62018163-C-T.
Other names: short protein forms V1827M.
Identifiers: ClinVar variation 2704303 (VCV002704303.3), dbSNP rs1272338162, ClinGen allele CA400610191.

ClinVar aggregate classification (germline): Uncertain significance (1 of 4 stars; one submission).

Conditions:
Hyperkalemic periodic paralysis. Also called: Familial hyperkalemic periodic paralysis; Gamstorp disease. Identifiers: Orphanet 682, MedGen C0238357, MONDO:0008224, OMIM 170500, HP:0007215.

Allele frequency attached by ClinVar (database versions not stated): gnomAD 0.00001.
gnomAD v4.1: 4 of 1,591,164 alleles (0.00025%); highest among the groups gnomAD compares: South Asian, 0.0022%; no homozygotes.

Submission:

Labcorp Genetics (formerly Invitae), Labcorp
Classification: Uncertain significance for Hyperkalemic periodic paralysis. Last evaluated: 2022-12-16. Review status: criteria provided, single submitter. Criteria: Invitae Variant Classification Sherloc (09022015). Collection method: clinical testing. Allele origin: germline.
Comment: In summary, the available evidence is currently insufficient to determine the role of this variant in disease. Therefore, it has been classified as a Variant of Uncertain Significance. Advanced modeling of protein sequence and biophysical properties (such as structural, functional, and spatial information, amino acid conservation, physicochemical variation, residue mobility, and thermodynamic stability) has been performed at Invitae for this missense variant, however the output from this modeling did not meet the statistical confidence thresholds required to predict the impact of this variant on SCN4A protein function. This variant has not been reported in the literature in individuals affected with SCN4A-related conditions. The frequency data for this variant in the population databases is considered unreliable, as metrics indicate poor data quality at this position in the gnomAD database. This sequence change replaces valine, which is neutral and non-polar, with methionine, which is neutral and non-polar, at codon 1827 of the SCN4A protein (p.Val1827Met).